The following is an entry in ClinVar:

ClinVar aggregate classification (germline): Conflicting classifications of pathogenicity. Review status: criteria provided, conflicting classifications (1 of 4 stars). 5 submissions from 5 submitters: Uncertain significance (3); Likely benign (2). Last evaluated 2026-06-22.

Conditions:
Hereditary breast ovarian cancer syndrome. Also called: Hereditary breast and/or ovarian cancer syndrome; BRCA1- and BRCA2-Associated Hereditary Breast and Ovarian Cancer; Hereditary breast and ovarian cancer syndrome; Breast and ovarian cancer; Hereditary breast and ovarian cancer; Hereditary breast and ovarian cancer syndrome (HBOC). Identifiers: Orphanet 145, MedGen C0677776, MeSH D061325, MONDO:0003582. Disease mechanism: loss of function.
Hereditary cancer-predisposing syndrome. Also called: Neoplastic Syndromes, Hereditary; Hereditary neoplastic syndrome; Hereditary Cancer Syndrome; Tumor predisposition. Identifiers: Orphanet 140162, MedGen C0027672, MeSH D009386, MONDO:0015356.

Allele frequency attached by ClinVar (database versions not stated): gnomAD exomes below 0.00001; ExAC 0.00001.
gnomAD v4.1: 2 of 1,605,908 alleles (0.00012%); highest among the groups gnomAD compares: East Asian, 0.0045%; no homozygotes.

Submissions (5):

Ambry Genetics
Classification: Likely benign for Hereditary cancer-predisposing syndrome. Last evaluated: 2026-06-22. Review status: criteria provided, single submitter. Criteria: Ambry Variant Classification Scheme 2023. Collection method: clinical testing. Allele origin: germline.

Labcorp Genetics (formerly Invitae), Labcorp
Classification: Uncertain significance for Hereditary breast ovarian cancer syndrome. Last evaluated: 2025-09-14. Review status: criteria provided, single submitter. Criteria: Invitae Variant Classification Sherloc (09022015). Collection method: clinical testing. Allele origin: germline.
Comment: This sequence change replaces asparagine, which is neutral and polar, with serine, which is neutral and polar, at codon 1730 of the BRCA2 protein (p.Asn1730Ser). This variant is present in population databases (rs766080044, gnomAD 0.006%). This variant has not been reported in the literature in individuals affected with BRCA2-related conditions. ClinVar contains an entry for this variant (Variation ID: 438987). Invitae Evidence Modeling of protein sequence and biophysical properties (such as structural, functional, and spatial information, amino acid conservation, physicochemical variation, residue mobility, and thermodynamic stability) indicates that this missense variant is not expected to disrupt BRCA2 protein function with a negative predictive value of 95%. In summary, the available evidence is currently insufficient to determine the role of this variant in disease. Therefore, it has been classified as a Variant of Uncertain Significance.

Color Diagnostics, LLC DBA Color Health
Classification: Uncertain significance for Hereditary cancer-predisposing syndrome. Last evaluated: 2024-03-06. Review status: criteria provided, single submitter. Criteria: ACMG Guidelines, 2015. Collection method: clinical testing. Allele origin: germline.
Comment: This missense variant replaces asparagine with serine at codon 1730 of the BRCA2 protein. Computational prediction suggests that this variant may not impact protein structure and function (internally defined REVEL score threshold <= 0.5, PMID: 27666373). To our knowledge, functional studies have not been performed for this variant. This variant has not been reported in individuals affected with hereditary cancer in the literature. This variant has been identified in 1/243860 chromosomes in the general population by the Genome Aggregation Database (gnomAD). The available evidence is insufficient to determine the role of this variant in disease conclusively. Therefore, this variant is classified as a Variant of Uncertain Significance.

University of Washington Department of Laboratory Medicine, University of Washington
Classification: Likely benign for Hereditary cancer-predisposing syndrome. Last evaluated: 2023-03-23. Review status: criteria provided, single submitter. Criteria: Dines et al. (Genet Med. 2020). Collection method: curation. Allele origin: germline.
Comment: Missense variant in a coldspot region where missense variants are very unlikely to be pathogenic (PMID:31911673).

BRCA2 exon 11 coldspot. Reclassification based on statistical prior probability.

Quest Diagnostics Nichols Institute San Juan Capistrano
Classification: Uncertain significance. Last evaluated: 2016-11-30. Review status: criteria provided, single submitter. Criteria: Quest Diagnostics criteria. Collection method: clinical testing. Allele origin: germline.

NM_000059.4(BRCA2):c.5189A>G (p.Asn1730Ser)

Gene: BRCA2 (BRCA2 DNA repair associated; plus strand). Cytogenetic location: 13q13.1.
Variant type: single nucleotide variant.
Coding change: c.5189A>G on transcript NM_000059.4 (MANE Select); coding-DNA position 5189, A replaced by G.
Protein change: p.Asn1730Ser; replaces asparagine 1730 with serine.
Molecular consequence: missense variant.
Genome position (GRCh38, 1-based): chr13:32,339,544, A>G. VCF-style: chr13-32339544-A-G. GRCh37 (hg19) VCF-style: chr13-32913681-A-G.
Other names: short protein forms N1730S.
Identifiers: ClinVar variation 438987 (VCV000438987.17), dbSNP rs766080044, ClinGen allele CA6940853.